The following is an entry in ClinVar:

ClinVar aggregate classification (germline): Uncertain significance (1 of 4 stars; one submission).

Conditions:
Osteogenesis imperfecta type I (OI1). Also called: OI, TYPE I; OSTEOGENESIS IMPERFECTA TARDA; OSTEOGENESIS IMPERFECTA WITH BLUE SCLERAE; Osteogenesis imperfecta type 1; Lobstein's Disease; Classic Non-deforming Osteogenesis Imperfecta with Blue Sclerae. Identifiers: Orphanet 216796, Orphanet 666, MedGen C0023931, MONDO:0008146, OMIM 166200. Disease mechanism: loss of function.

Submission:

Labcorp Genetics (formerly Invitae), Labcorp
Classification: Uncertain significance for Osteogenesis imperfecta type I. Last evaluated: 2023-12-22. Review status: criteria provided, single submitter. Criteria: Invitae Variant Classification Sherloc (09022015). Collection method: clinical testing. Allele origin: germline.
Comment: This sequence change replaces glutamic acid, which is acidic and polar, with aspartic acid, which is acidic and polar, at codon 1397 of the COL1A1 protein (p.Glu1397Asp). This variant is not present in population databases (gnomAD no frequency). This variant has not been reported in the literature in individuals affected with COL1A1-related conditions. Advanced modeling of protein sequence and biophysical properties (such as structural, functional, and spatial information, amino acid conservation, physicochemical variation, residue mobility, and thermodynamic stability) performed at Invitae indicates that this missense variant is not expected to disrupt COL1A1 protein function with a negative predictive value of 95%. In summary, the available evidence is currently insufficient to determine the role of this variant in disease. Therefore, it has been classified as a Variant of Uncertain Significance.

NM_000088.4(COL1A1):c.4191G>T (p.Glu1397Asp)

Gene: COL1A1 (collagen type I alpha 1 chain; minus strand). Cytogenetic location: 17q21.33.
Variant type: single nucleotide variant.
Coding change: c.4191G>T on transcript NM_000088.4 (MANE Select); coding-DNA position 4191, G replaced by T.
Protein change: p.Glu1397Asp; replaces glutamic acid 1397 with aspartic acid.
Molecular consequence: missense variant.
Genome position (GRCh38, 1-based): chr17:50,185,835, C>A on the plus strand (G>T on the coding strand, the complement: COL1A1 is on the minus strand). VCF-style: chr17-50185835-C-A. GRCh37 (hg19) VCF-style: chr17-48263196-C-A.
Other names: short protein forms E1397D.
Identifiers: ClinVar variation 2758664 (VCV002758664.3), dbSNP rs2509155699, ClinGen allele CA400191680.